The following is an entry in ClinVar:

ClinVar aggregate classification (germline): Uncertain significance (1 of 4 stars; one submission).

Conditions:
Familial hypobetalipoproteinemia 1. Also called: Hypobetalipoproteinemia, normotriglyceridemic; Acanthocytosis with hypobetalipoproteinemia; APOB-Related Familial Hypobetalipoproteinemia. Identifiers: MedGen C4551990, MONDO:0014252, OMIM 615558.
Hypercholesterolemia, autosomal dominant, type B (FHCL2). Also called: Familial Hypercholesterolemia Type B; APOLIPOPROTEIN B-100, FAMILIAL DEFECTIVE; APOLIPOPROTEIN B-100, FAMILIAL LIGAND-DEFECTIVE; HYPERCHOLESTEROLEMIA, FAMILIAL, DUE TO LIGAND-DEFECTIVE APOLIPOPROTEIN B; Familial hypercholesterolemia 2; APOB-Related Familial Hypercholesterolemia, Autosomal Dominant. Identifiers: MedGen C1704417, MONDO:0007751, OMIM 144010.

Submission:

Labcorp Genetics (formerly Invitae), Labcorp
Classification: Uncertain significance for Familial hypobetalipoproteinemia 1; Hypercholesterolemia, autosomal dominant, type B. Last evaluated: 2018-11-20. Review status: criteria provided, single submitter. Criteria: Invitae Variant Classification Sherloc (09022015). Collection method: clinical testing. Allele origin: germline.
Comment: In summary, the available evidence is currently insufficient to determine the role of this variant in disease. Therefore, it has been classified as a Variant of Uncertain Significance. Algorithms developed to predict the effect of missense changes on protein structure and function are either unavailable or do not agree on the potential impact of this missense change (SIFT: "Deleterious"; PolyPhen-2: "Possibly Damaging"; Align-GVGD: "Class C0"). This variant has not been reported in the literature in individuals with APOB-related disease. This variant is not present in population databases (ExAC no frequency). This sequence change replaces leucine with arginine at codon 521 of the APOB protein (p.Leu521Arg). The leucine residue is moderately conserved and there is a moderate physicochemical difference between leucine and arginine.

NM_000384.3(APOB):c.1562T>G (p.Leu521Arg)

Gene: APOB (apolipoprotein B; minus strand). Cytogenetic location: 2p24.1.
Variant type: single nucleotide variant.
Coding change: c.1562T>G on transcript NM_000384.3 (MANE Select); coding-DNA position 1562, T replaced by G.
Protein change: p.Leu521Arg; replaces leucine 521 with arginine.
Molecular consequence: missense variant.
Genome position (GRCh38, 1-based): chr2:21,029,694, A>C on the plus strand (T>G on the coding strand, the complement: APOB is on the minus strand). VCF-style: chr2-21029694-A-C. GRCh37 (hg19) VCF-style: chr2-21252566-A-C.
Other names: short protein forms L521R.
Identifiers: ClinVar variation 662980 (VCV000662980.11), dbSNP rs1442338140, ClinGen allele CA346014988.